The following is an entry in ClinVar:

NM_001466.4(FZD2):c.583C>G (p.Leu195Val)

Gene: FZD2 (frizzled class receptor 2; plus strand). Cytogenetic location: 17q21.31.
Variant type: single nucleotide variant.
Coding change: c.583C>G on transcript NM_001466.4 (MANE Select); coding-DNA position 583, C replaced by G.
Protein change: p.Leu195Val; replaces leucine 195 with valine.
Molecular consequence: missense variant.
Genome position (GRCh38, 1-based): chr17:44,558,271, C>G. VCF-style: chr17-44558271-C-G. GRCh37 (hg19) VCF-style: chr17-42635639-C-G.
Other names: short protein forms L195V.
Identifiers: ClinVar variation 4801352 (VCV004801352.1).

ClinVar aggregate classification (germline): Uncertain significance (1 of 4 stars; one submission).

Submission:

Labcorp Genetics (formerly Invitae), Labcorp
Classification: Uncertain significance. Last evaluated: 2025-04-02. Review status: criteria provided, single submitter. Criteria: Invitae Variant Classification Sherloc (09022015). Collection method: clinical testing. Allele origin: germline.
Comment: This sequence change replaces leucine, which is neutral and non-polar, with valine, which is neutral and non-polar, at codon 195 of the FZD2 protein (p.Leu195Val). This variant is not present in population databases (gnomAD no frequency). This variant has not been reported in the literature in individuals affected with FZD2-related conditions. Invitae Evidence Modeling of protein sequence and biophysical properties (such as structural, functional, and spatial information, amino acid conservation, physicochemical variation, residue mobility, and thermodynamic stability) indicates that this missense variant is not expected to disrupt FZD2 protein function with a negative predictive value of 80%. In summary, the available evidence is currently insufficient to determine the role of this variant in disease. Therefore, it has been classified as a Variant of Uncertain Significance.